The following is an entry in ClinVar:

ClinVar aggregate classification (germline): Uncertain significance (1 of 4 stars; one submission).

Submission:

GeneDx
Classification: Uncertain significance. Last evaluated: 2022-01-17. Review status: criteria provided, single submitter. Criteria: GeneDx Variant Classification Process June 2021. Collection method: clinical testing. Allele origin: germline. Affected: yes.
Comment: Has not been previously published as pathogenic or benign to our knowledge; Not observed at significant frequency in large population cohorts (gnomAD); In silico analysis supports that this missense variant has a deleterious effect on protein structure/function

NM_006087.4(TUBB4A):c.1160C>A (p.Ala387Asp)

Gene: TUBB4A (tubulin beta 4A class IVa; minus strand). Cytogenetic location: 19p13.3.
Variant type: single nucleotide variant.
Coding change: c.1160C>A on transcript NM_006087.4 (MANE Select); coding-DNA position 1160, C replaced by A.
Protein change: p.Ala387Asp; replaces alanine 387 with aspartic acid.
Molecular consequence: missense variant.
Genome position (GRCh38, 1-based): chr19:6,495,339, G>T on the plus strand (C>A on the coding strand, the complement: TUBB4A is on the minus strand). VCF-style: chr19-6495339-G-T. GRCh37 (hg19) VCF-style: chr19-6495350-G-T.
Other names: c.1313C>A, p.Ala438Asp (NM_001289123.2); c.1295C>A, p.Ala432Asp (NM_001289127.2); c.1160C>A, p.Ala387Asp (NM_001289129.2); c.944C>A, p.Ala315Asp (NM_001289130.2, NM_001289131.2); short protein forms A315D, A387D, A432D, A438D.
Identifiers: ClinVar variation 1697189 (VCV001697189.2), dbSNP rs2145243085, ClinGen allele CA403588755.
Genomic context (GRCh38, chr19:6,495,339, plus strand): 5'-TCCATCTCGTCCATGCCCTCGCCCGTGTACCAGTGCAAGAAGGCCTTGCGCCGGAACATG[G>T]CCGTGAACTGCTCGGAGATGCGCTTGAACAGCTCCTGGATGGCCGTGCTGTTGCCGATGA-3'
Protein context (NP_006078.2, residues 377-397): LFKRISEQFT[Ala387Asp]MFRRKAFLHW